The following is an entry in ClinVar:

ClinVar aggregate classification (germline): Conflicting classifications of pathogenicity. Review status: criteria provided, conflicting classifications (1 of 4 stars). 3 submissions from 3 submitters: Uncertain significance (1); Likely benign (1). 1 of the submissions does not count toward it. Last evaluated 2025-11-04.

Conditions:
Hereditary breast ovarian cancer syndrome. Also called: Breast and ovarian cancer; Hereditary breast and ovarian cancer; Hereditary breast and ovarian cancer syndrome; BRCA1- and BRCA2-Associated Hereditary Breast and Ovarian Cancer; Hereditary breast and ovarian cancer syndrome (HBOC); Hereditary breast and/or ovarian cancer syndrome. Identifiers: Orphanet 145, MedGen C0677776, MeSH D061325, MONDO:0003582. Disease mechanism: loss of function.
Hereditary cancer-predisposing syndrome. Also called: Tumor predisposition; Hereditary Cancer Syndrome; Neoplastic Syndromes, Hereditary; Hereditary neoplastic syndrome. Identifiers: Orphanet 140162, MedGen C0027672, MeSH D009386, MONDO:0015356.
Breast-ovarian cancer, familial, susceptibility to, 2 (BROVCA2). Also called: BRCA2 Hereditary Breast and Ovarian Cancer. Identifiers: Orphanet 145, MedGen C2675520, MONDO:0012933, OMIM 612555. Disease mechanism: loss of function.

Submissions (3):

Labcorp Genetics (formerly Invitae), Labcorp
Classification: Uncertain significance for Hereditary breast ovarian cancer syndrome. Last evaluated: 2025-11-04. Review status: criteria provided, single submitter. Criteria: Invitae Variant Classification Sherloc (09022015). Collection method: clinical testing. Allele origin: germline.
Comment: This sequence change replaces proline, which is neutral and non-polar, with leucine, which is neutral and non-polar, at codon 2762 of the BRCA2 protein (p.Pro2762Leu). This variant is not present in population databases (gnomAD no frequency). This variant has not been reported in the literature in individuals affected with BRCA2-related conditions. ClinVar contains an entry for this variant (Variation ID: 91505). Invitae Evidence Modeling of protein sequence and biophysical properties (such as structural, functional, and spatial information, amino acid conservation, physicochemical variation, residue mobility, and thermodynamic stability) indicates that this missense variant is not expected to disrupt BRCA2 protein function with a negative predictive value of 95%. In summary, the available evidence is currently insufficient to determine the role of this variant in disease. Therefore, it has been classified as a Variant of Uncertain Significance.

Ambry Genetics
Classification: Likely benign for Hereditary cancer-predisposing syndrome. Last evaluated: 2025-05-08. Review status: criteria provided, single submitter. Criteria: Ambry Variant Classification Scheme 2023. Collection method: clinical testing. Allele origin: germline.

Sharing Clinical Reports Project (SCRP)
Classification: Uncertain significance for Breast-ovarian cancer, familial 2. Last evaluated: 2012-02-09. Review status: no assertion criteria provided. Collection method: clinical testing. Allele origin: germline. Not counted in ClinVar's aggregate classification.

NM_000059.4(BRCA2):c.8285C>T (p.Pro2762Leu)

Gene: BRCA2 (BRCA2 DNA repair associated; plus strand). Cytogenetic location: 13q13.1.
Variant type: single nucleotide variant.
Coding change: c.8285C>T on transcript NM_000059.4 (MANE Select); coding-DNA position 8285, C replaced by T.
Protein change: p.Pro2762Leu; replaces proline 2762 with leucine.
Molecular consequence: missense variant.
Genome position (GRCh38, 1-based): chr13:32,363,487, C>T. VCF-style: chr13-32363487-C-T. GRCh37 (hg19) VCF-style: chr13-32937624-C-T.
Other names: 8513C>T; short protein forms P2762L.
Identifiers: ClinVar variation 91505 (VCV000091505.9), dbSNP rs398122600, ClinGen allele CA025549.
Genomic context (GRCh38, chr13:32,363,487, plus strand): 5'-ATGGCAGACTGACAGTTGGTCAGAAGATTATTCTTCATGGAGCAGAACTGGTGGGCTCTC[C>T]TGATGCCTGTACACCTCTTGAAGCCCCAGAATCTCTTATGTTAAAGGTAAATTAATTTGC-3'
Protein context (NP_000050.3, residues 2752-2772): ILHGAELVGS[Pro2762Leu]DACTPLEAPE